The following is an entry in ClinVar:

ClinVar aggregate classification (germline): Conflicting classifications of pathogenicity. Review status: criteria provided, conflicting classifications (1 of 4 stars). 6 submissions from 6 submitters: Uncertain significance (1); Benign (1); Likely benign (2). 2 of the submissions do not count toward it. Last evaluated 2025-10-29.

Conditions:
Macrothrombocytopenia, isolated, 1, autosomal dominant (MACTHC1). Also called: Autosomal dominant macrothrombocytopenia TUBB1-related. Identifiers: Orphanet 140957, MedGen C5676892, MONDO:0800047, OMIM 613112.
Thrombocytopenia. Identifiers: MedGen C0040034, MeSH D013921, MONDO:0002049, HP:0001873.
Abnormal bleeding. Also called: Bleeding diathesis. Identifiers: MedGen C1458140, HP:0001892.

Allele frequency attached by ClinVar (database versions not stated): gnomAD exomes 0.00011 and 0.00027; ExAC 0.00032; ESP Exome Variant Server 0.00077; gnomAD 0.00122 and 0.00137; TOPMed 0.00126; 1000 Genomes Project 0.00140; 1000 Genomes Project 30x 0.00156.
gnomAD v4.1: 348 of 1,614,196 alleles (0.022%); highest among the groups gnomAD compares: African/African-American, 0.4%; no homozygotes.

Submissions (6):

Labcorp Genetics (formerly Invitae), Labcorp
Classification: Benign. Last evaluated: 2025-10-29. Review status: criteria provided, single submitter. Criteria: Invitae Variant Classification Sherloc (09022015). Collection method: clinical testing. Allele origin: germline.

Mayo Clinic Laboratories, Mayo Clinic
Classification: Likely benign. Last evaluated: 2025-05-09. Review status: criteria provided, single submitter. Criteria: ACMG Guidelines, 2015. Collection method: clinical testing. Allele origin: germline. Observed: 2 variant alleles.
Comment: BS1, BP4

GeneDx
Classification: Uncertain significance. Last evaluated: 2023-12-19. Review status: criteria provided, single submitter. Criteria: GeneDx Variant Classification Process June 2021. Collection method: clinical testing. Allele origin: germline. Affected: yes.
Comment: In silico analysis supports that this missense variant does not alter protein structure/function; Has not been previously published as pathogenic or benign to our knowledge

Blueprint Genetics
Classification: Likely benign. Last evaluated: 2023-07-31. Review status: criteria provided, single submitter. Criteria: ACMG Guidelines, 2015. Collection method: clinical testing. Allele origin: germline.

Birmingham Platelet Group; University of Birmingham
Classification: Uncertain significance for Thrombocytopenia; Abnormal bleeding. Last evaluated: 2020-05-01. Review status: no assertion criteria provided. Collection method: research. Allele origin: germline. Affected: yes. Not counted in ClinVar's aggregate classification.

ISTH-SSC Genomics in Thrombosis and Hemostasis, KU Leuven, Center for Molecular and Vascular Biology
Classification: Uncertain significance for Macrothrombocytopenia, isolated, 1, autosomal dominant. Review status: no assertion criteria provided. Collection method: clinical testing. Allele origin: unknown. Affected: yes. Not counted in ClinVar's aggregate classification.
Comment: Submitted to GoldVariant by Bilal Jradeh from Katharine Dormandy Haemophilia and Thrombosis Centre, Royal Free Hospital, London, UK

NM_030773.4(TUBB1):c.13G>A (p.Val5Ile)

Gene: TUBB1 (tubulin beta 1 class VI; plus strand). Cytogenetic location: 20q13.32.
Variant type: single nucleotide variant.
Coding change: c.13G>A on transcript NM_030773.4 (MANE Select); coding-DNA position 13, G replaced by A.
Protein change: p.Val5Ile; replaces valine 5 with isoleucine.
Molecular consequence: missense variant.
Genome position (GRCh38, 1-based): chr20:59,019,535, G>A. VCF-style: chr20-59019535-G-A. GRCh37 (hg19) VCF-style: chr20-57594590-G-A.
Other names: p.Val5Ile; short protein forms V5I.
Identifiers: ClinVar variation 988861 (VCV000988861.11), dbSNP rs145280665, ClinGen allele CA9928318.
Genomic context (GRCh38, chr20:59,019,535, plus strand): 5'-AGAGTCTGAGGATTCCGTGAAGATCTCAGACTTGGGCTCAGAGCAAGGATGCGTGAAATT[G>A]TCCATATTCAGATTGGCCAGTGTGGCAACCAGATCGGAGCCAAGGTAAGTAATGTCTGGT-3'
Protein context (NP_110400.1, residues 1-15): MREI[Val5Ile]HIQIGQCGNQ